The following is an entry in ClinVar:

ClinVar aggregate classification (germline): Uncertain significance. Review status: criteria provided, multiple submitters, no conflicts (2 of 4 stars). 2 submissions from 2 submitters: Uncertain significance (2). Last evaluated 2025-10-26.

Allele frequency attached by ClinVar (database versions not stated): gnomAD 0.00001; TOPMed 0.00001; ExAC 0.00001.

Submissions (2):

Labcorp Genetics (formerly Invitae), Labcorp
Classification: Uncertain significance. Last evaluated: 2025-10-26. Review status: criteria provided, single submitter. Criteria: Invitae Variant Classification Sherloc (09022015). Collection method: clinical testing. Allele origin: germline.
Comment: This sequence change replaces methionine, which is neutral and non-polar, with isoleucine, which is neutral and non-polar, at codon 146 of the IRF4 protein (p.Met146Ile). This variant is present in population databases (rs115613112, gnomAD 0.02%). This variant has not been reported in the literature in individuals affected with IRF4-related conditions. ClinVar contains an entry for this variant (Variation ID: 2083932). An algorithm developed to predict the effect of missense changes on protein structure and function outputs the following: PolyPhen-2: "Benign". The isoleucine amino acid residue is found in multiple mammalian species, which suggests that this missense change does not adversely affect protein function. In summary, the available evidence is currently insufficient to determine the role of this variant in disease. Therefore, it has been classified as a Variant of Uncertain Significance.

Ambry Genetics
Classification: Uncertain significance. Last evaluated: 2023-02-15. Review status: criteria provided, single submitter. Criteria: Ambry Variant Classification Scheme 2023. Collection method: clinical testing. Allele origin: germline.

NM_002460.4(IRF4):c.438G>A (p.Met146Ile)

Gene: IRF4 (interferon regulatory factor 4; plus strand). Cytogenetic location: 6p25.3.
Variant type: single nucleotide variant.
Coding change: c.438G>A on transcript NM_002460.4 (MANE Select); coding-DNA position 438, G replaced by A.
Protein change: p.Met146Ile; replaces methionine 146 with isoleucine.
Molecular consequence: missense variant. On other transcripts: non-coding transcript variant (1).
Genome position (GRCh38, 1-based): chr6:395,881, G>A. VCF-style: chr6-395881-G-A. GRCh37 (hg19) VCF-style: chr6-395881-G-A.
Other names: c.438G>A (NM_002460.3); c.438G>A, p.Met146Ile (NM_001195286.2); short protein forms M146I.
Identifiers: ClinVar variation 2083932 (VCV002083932.6), dbSNP rs115613112, ClinGen allele CA3612694.